The following is an entry in ClinVar:

NM_138694.4(PKHD1):c.5943C>T (p.Ile1981=)

Gene: PKHD1 (PKHD1 ciliary IPT domain containing fibrocystin/polyductin; minus strand). Cytogenetic location: 6p12.2.
Variant type: single nucleotide variant.
Coding change: c.5943C>T on transcript NM_138694.4 (MANE Select); coding-DNA position 5943, C replaced by T.
Protein change: p.Ile1981=; no amino-acid change (isoleucine 1981 retained).
Molecular consequence: synonymous variant.
Genome position (GRCh38, 1-based): chr6:51,934,288, G>A on the plus strand (C>T on the coding strand, the complement: PKHD1 is on the minus strand). VCF-style: chr6-51934288-G-A. GRCh37 (hg19) VCF-style: chr6-51799086-G-A.
Other names: c.5943C>T, p.Ile1981= (NM_170724.3); c.5943C>T (NM_138694.3).
Identifiers: ClinVar variation 1150357 (VCV001150357.10), dbSNP rs768329869, ClinGen allele CA3852375.

ClinVar aggregate classification (germline): Likely benign. Review status: criteria provided, multiple submitters, no conflicts (2 of 4 stars). 2 submissions from 2 submitters: Likely benign (2). Last evaluated 2026-04-22.

Conditions:
PKHD1-related disorder. Also called: PKHD1-related condition.
Autosomal recessive polycystic kidney disease (ARPKD). Also called: AR polycystic kidney disease. Identifiers: Orphanet 731, Orphanet 8378, MedGen C0085548, MeSH D017044, MONDO:0009889.

Allele frequency attached by ClinVar (database versions not stated): ExAC 0.00001; gnomAD 0.00001; gnomAD exomes 0.00002.
gnomAD v4.1: 14 of 1,612,794 alleles (0.00087%); highest among the groups gnomAD compares: Non-Finnish European, 0.00085%; no homozygotes.

Submissions (2):

PreventionGenetics, part of Exact Sciences
Classification: Likely benign for PKHD1-related condition. Last evaluated: 2026-04-22. Review status: criteria provided, single submitter. Criteria: ACMG Guidelines, 2015. Collection method: clinical testing. Allele origin: germline.
Comment: This variant is classified as likely benign based on ACMG/AMP sequence variant interpretation guidelines (Richards et al. 2015 PMID: 25741868, with internal and published modifications).

Labcorp Genetics (formerly Invitae), Labcorp
Classification: Likely benign for Autosomal recessive polycystic kidney disease. Last evaluated: 2026-01-19. Review status: criteria provided, single submitter. Criteria: Invitae Variant Classification Sherloc (09022015). Collection method: clinical testing. Allele origin: germline.